The following is an entry in ClinVar:

NM_178452.6(DNAAF1):c.212G>A (p.Gly71Asp)

Gene: DNAAF1 (dynein axonemal assembly factor 1; plus strand). Cytogenetic location: 16q24.1.
Variant type: single nucleotide variant.
Coding change: c.212G>A on transcript NM_178452.6 (MANE Select); coding-DNA position 212, G replaced by A.
Protein change: p.Gly71Asp; replaces glycine 71 with aspartic acid.
Molecular consequence: missense variant.
Genome position (GRCh38, 1-based): chr16:84,149,094, G>A. VCF-style: chr16-84149094-G-A. GRCh37 (hg19) VCF-style: chr16-84182699-G-A.
Other names: short protein forms G71D.
Identifiers: ClinVar variation 4780763 (VCV004780763.1).

ClinVar aggregate classification (germline): Uncertain significance (1 of 4 stars; one submission).

Conditions:
Primary ciliary dyskinesia. Also called: Ciliary dyskinesia. Identifiers: Orphanet 244, MedGen C0008780, MONDO:0016575, HP:0012265.

gnomAD v4.1: 1 of 1,614,134 alleles (0.000062%); highest among the groups gnomAD compares: Admixed American, 0.0017%; no homozygotes.

Submission:

Labcorp Genetics (formerly Invitae), Labcorp
Classification: Uncertain significance for Primary ciliary dyskinesia. Last evaluated: 2025-05-08. Review status: criteria provided, single submitter. Criteria: Invitae Variant Classification Sherloc (09022015). Collection method: clinical testing. Allele origin: germline.
Comment: This sequence change replaces glycine, which is neutral and non-polar, with aspartic acid, which is acidic and polar, at codon 71 of the DNAAF1 protein (p.Gly71Asp). This variant is present in population databases (no rsID available, gnomAD 0.003%). This variant has not been reported in the literature in individuals affected with DNAAF1-related conditions. An algorithm developed to predict the effect of missense changes on protein structure and function outputs the following: PolyPhen-2: "Benign". The aspartic acid amino acid residue is found in multiple mammalian species, which suggests that this missense change does not adversely affect protein function. In summary, the available evidence is currently insufficient to determine the role of this variant in disease. Therefore, it has been classified as a Variant of Uncertain Significance.